The following is an entry in ClinVar:

ClinVar aggregate classification (germline): Conflicting classifications of pathogenicity. Review status: criteria provided, conflicting classifications (1 of 4 stars). 2 submissions from 2 submitters: Uncertain significance (1); Likely benign (1). Last evaluated 2026-06-29.

Conditions:
Ataxia-telangiectasia syndrome (AT). Also called: LOUIS-BAR SYNDROME; Ataxia telangiectasia (A-T); Cerebello-oculocutaneous telangiectasia; Immunodeficiency with ataxia telangiectasia; Ataxia-telangiectasia, complementation group E; Ataxia-telangiectasia, complementation group D. Identifiers: Orphanet 100, MedGen C0004135, MONDO:0008840, OMIM 208900.
Hereditary cancer-predisposing syndrome. Also called: Hereditary Cancer Syndrome; Hereditary neoplastic syndrome; Neoplastic Syndromes, Hereditary; Tumor predisposition. Identifiers: Orphanet 140162, MedGen C0027672, MeSH D009386, MONDO:0015356.

gnomAD v4.1: 2 of 1,613,944 alleles (0.00012%); highest among the groups gnomAD compares: Non-Finnish European, 0.00017%; no homozygotes.

Submissions (2):

Ambry Genetics
Classification: Likely benign for Hereditary cancer-predisposing syndrome. Last evaluated: 2026-06-29. Review status: criteria provided, single submitter. Criteria: Ambry Variant Classification Scheme 2023. Collection method: clinical testing. Allele origin: germline.

Labcorp Genetics (formerly Invitae), Labcorp
Classification: Uncertain significance for Ataxia-telangiectasia syndrome. Last evaluated: 2025-03-25. Review status: criteria provided, single submitter. Criteria: Invitae Variant Classification Sherloc (09022015). Collection method: clinical testing. Allele origin: germline.
Comment: This sequence change replaces lysine, which is basic and polar, with asparagine, which is neutral and polar, at codon 1701 of the ATM protein (p.Lys1701Asn). This variant is not present in population databases (gnomAD no frequency). This variant has not been reported in the literature in individuals affected with ATM-related conditions. Invitae Evidence Modeling of protein sequence and biophysical properties (such as structural, functional, and spatial information, amino acid conservation, physicochemical variation, residue mobility, and thermodynamic stability) indicates that this missense variant is not expected to disrupt ATM protein function with a negative predictive value of 95%. In summary, the available evidence is currently insufficient to determine the role of this variant in disease. Therefore, it has been classified as a Variant of Uncertain Significance.

Literature cited by the submitters: PubMed 40580951 (cited by Ambry Genetics).

NM_000051.4(ATM):c.5103G>C (p.Lys1701Asn)

Gene: ATM (ATM serine/threonine kinase; plus strand). Cytogenetic location: 11q22.3.
Variant type: single nucleotide variant.
Coding change: c.5103G>C on transcript NM_000051.4 (MANE Select); coding-DNA position 5103, G replaced by C.
Protein change: p.Lys1701Asn; replaces lysine 1701 with asparagine.
Molecular consequence: missense variant.
Genome position (GRCh38, 1-based): chr11:108,299,811, G>C. VCF-style: chr11-108299811-G-C. GRCh37 (hg19) VCF-style: chr11-108170538-G-C.
Other names: c.5103G>C, p.Lys1701Asn (NM_001351834.2); short protein forms K1701N.
Identifiers: ClinVar variation 4747228 (VCV004747228.2).